The following is an entry in ClinVar:

ClinVar aggregate classification (germline): Uncertain significance. Review status: criteria provided, multiple submitters, no conflicts (2 of 4 stars). 2 submissions from 2 submitters: Uncertain significance (2). Last evaluated 2022-05-31.

Allele frequency attached by ClinVar (database versions not stated): gnomAD exomes below 0.00001.

Submissions (2):

Labcorp Genetics (formerly Invitae), Labcorp
Classification: Uncertain significance. Last evaluated: 2022-05-31. Review status: criteria provided, single submitter. Criteria: Invitae Variant Classification Sherloc (09022015). Collection method: clinical testing. Allele origin: germline.
Comment: This sequence change replaces glutamic acid, which is acidic and polar, with glycine, which is neutral and non-polar, at codon 626 of the OPA1 protein (p.Glu626Gly). This variant is not present in population databases (gnomAD no frequency). This variant has not been reported in the literature in individuals affected with OPA1-related conditions. Advanced modeling of protein sequence and biophysical properties (such as structural, functional, and spatial information, amino acid conservation, physicochemical variation, residue mobility, and thermodynamic stability) performed at Invitae indicates that this missense variant is not expected to disrupt OPA1 protein function. In summary, the available evidence is currently insufficient to determine the role of this variant in disease. Therefore, it has been classified as a Variant of Uncertain Significance.

Blueprint Genetics
Classification: Uncertain significance. Last evaluated: 2021-11-02. Review status: criteria provided, single submitter. Criteria: ACMG Guidelines, 2015. Collection method: clinical testing. Allele origin: germline.

NM_130837.3(OPA1):c.2042A>G (p.Glu681Gly)

Gene: OPA1 (OPA1 mitochondrial dynamin like GTPase; plus strand). Cytogenetic location: 3q29.
Variant type: single nucleotide variant.
Coding change: c.2042A>G on transcript NM_130837.3 (MANE Select); coding-DNA position 2042, A replaced by G.
Protein change: p.Glu681Gly; replaces glutamic acid 681 with glycine.
Molecular consequence: missense variant.
Genome position (GRCh38, 1-based): chr3:193,654,891, A>G. VCF-style: chr3-193654891-A-G. GRCh37 (hg19) VCF-style: chr3-193372680-A-G.
Other names: c.1508A>G, p.Glu503Gly (NM_001354663.2); c.1505A>G, p.Glu502Gly (NM_001354664.2); c.1877A>G, p.Glu626Gly (NM_015560.3); c.1769A>G, p.Glu590Gly (NM_130831.3); c.1823A>G, p.Glu608Gly (NM_130832.3); c.1880A>G, p.Glu627Gly (NM_130833.3); c.1931A>G, p.Glu644Gly (NM_130834.3); c.1934A>G, p.Glu645Gly (NM_130835.3); and 1 more; short protein forms E645G, E608G, E626G, E681G, E503G, E502G, E590G, E627G.
Identifiers: ClinVar variation 1906909 (VCV001906909.6), dbSNP rs928124828, ClinGen allele CA90542485.